The following is an entry in ClinVar:

ClinVar aggregate classification (germline): Uncertain significance (1 of 4 stars; one submission).

Allele frequency attached by ClinVar (database versions not stated): ExAC 0.00001; gnomAD 0.00001; gnomAD exomes 0.00001; TOPMed 0.00001.

Submission:

Labcorp Genetics (formerly Invitae), Labcorp
Classification: Uncertain significance. Last evaluated: 2023-01-26. Review status: criteria provided, single submitter. Criteria: Invitae Variant Classification Sherloc (09022015). Collection method: clinical testing. Allele origin: germline.
Comment: In summary, the available evidence is currently insufficient to determine the role of this variant in disease. Therefore, it has been classified as a Variant of Uncertain Significance. Advanced modeling of protein sequence and biophysical properties (such as structural, functional, and spatial information, amino acid conservation, physicochemical variation, residue mobility, and thermodynamic stability) performed at Invitae indicates that this missense variant is not expected to disrupt GHSR protein function. This variant has not been reported in the literature in individuals affected with GHSR-related conditions. This variant is present in population databases (rs759356763, gnomAD 0.005%). This sequence change replaces valine, which is neutral and non-polar, with leucine, which is neutral and non-polar, at codon 249 of the GHSR protein (p.Val249Leu).

NM_198407.2(GHSR):c.745G>T (p.Val249Leu)

Gene: GHSR (growth hormone secretagogue receptor; minus strand). Cytogenetic location: 3q26.31.
Variant type: single nucleotide variant.
Coding change: c.745G>T on transcript NM_198407.2 (MANE Select); coding-DNA position 745, G replaced by T.
Protein change: p.Val249Leu; replaces valine 249 with leucine.
Molecular consequence: missense variant.
Genome position (GRCh38, 1-based): chr3:172,447,669, C>A on the plus strand (G>T on the coding strand, the complement: GHSR is on the minus strand). VCF-style: chr3-172447669-C-A. GRCh37 (hg19) VCF-style: chr3-172165459-C-A.
Other names: c.745G>T, p.Val249Leu (NM_004122.2); short protein forms V249L.
Identifiers: ClinVar variation 2954906 (VCV002954906.3), dbSNP rs759356763, ClinGen allele CA2706412.